The following is an entry in ClinVar:

NM_022356.4(P3H1):c.1474-2A>G

Gene: P3H1 (prolyl 3-hydroxylase 1; minus strand). Cytogenetic location: 1p34.2.
Variant type: single nucleotide variant.
Coding change: c.1474-2A>G on transcript NM_022356.4 (MANE Select); the canonical splice acceptor site of the intron before coding-DNA position 1474, A replaced by G.
Molecular consequence: splice acceptor variant.
Genome position (GRCh38, 1-based): chr1:42,752,371, T>C on the plus strand (A>G on the coding strand, the complement: P3H1 is on the minus strand). VCF-style: chr1-42752371-T-C. GRCh37 (hg19) VCF-style: chr1-43218042-T-C.
Other names: c.1474-2A>G (NM_001146289.2, NM_001243246.2).
Identifiers: ClinVar variation 3382505 (VCV003382505.2).

ClinVar aggregate classification (germline): Likely pathogenic (1 of 4 stars; one submission).

Conditions:
Osteogenesis imperfecta type 8 (OI8). Identifiers: MedGen C1970458, MONDO:0012581, OMIM 610915.

Submission:

Juno Genomics, Hangzhou Juno Genomics, Inc
Classification: Likely pathogenic for Osteogenesis imperfecta type 8. Review status: criteria provided, single submitter. Criteria: ACMG Guidelines, 2015. Collection method: clinical testing. Allele origin: germline. Affected: yes.
Comment: Absent from controls (or at extremely low frequency if recessive) in Genome Aggregation Database, Exome Sequencing Project, 1000 Genomes Project, or Exome Aggregation Consortium.;Null variant in a gene where loss of function (LOF) is a known mechanism of disease.;For recessive disorders, detected in trans with a pathogenic variant.;Patient's phenotype or family history is highly specific for a disease with a single genetic etiology.